The following is an entry in ClinVar:

ClinVar aggregate classification (germline): Uncertain significance (1 of 4 stars; one submission).

Allele frequency attached by ClinVar (database versions not stated): gnomAD exomes below 0.00001.
gnomAD v4.1: 1 of 1,613,658 alleles (0.000062%); highest among the groups gnomAD compares: Non-Finnish European, 0.000085%; no homozygotes.

Submission:

Labcorp Genetics (formerly Invitae), Labcorp
Classification: Uncertain significance. Last evaluated: 2020-09-24. Review status: criteria provided, single submitter. Criteria: Invitae Variant Classification Sherloc (09022015). Collection method: clinical testing. Allele origin: germline.
Comment: This variant is not present in population databases (ExAC no frequency). This variant has not been reported in the literature in individuals with C6-related conditions. Algorithms developed to predict the effect of missense changes on protein structure and function are either unavailable or do not agree on the potential impact of this missense change (SIFT: "Tolerated"; PolyPhen-2: "Possibly Damaging"; Align-GVGD: "Class C0"). In summary, the available evidence is currently insufficient to determine the role of this variant in disease. Therefore, it has been classified as a Variant of Uncertain Significance. This sequence change replaces glutamic acid with aspartic acid at codon 588 of the C6 protein (p.Glu588Asp). The glutamic acid residue is moderately conserved and there is a small physicochemical difference between glutamic acid and aspartic acid.

NM_000065.5(C6):c.1764A>C (p.Glu588Asp)

Gene: C6 (complement C6; minus strand). Cytogenetic location: 5p13.1.
Variant type: single nucleotide variant.
Coding change: c.1764A>C on transcript NM_000065.5 (MANE Select); coding-DNA position 1764, A replaced by C.
Protein change: p.Glu588Asp; replaces glutamic acid 588 with aspartic acid.
Molecular consequence: missense variant.
Genome position (GRCh38, 1-based): chr5:41,159,174, T>G on the plus strand (A>C on the coding strand, the complement: C6 is on the minus strand). VCF-style: chr5-41159174-T-G. GRCh37 (hg19) VCF-style: chr5-41159276-T-G.
Other names: c.1764A>C, p.Glu588Asp (NM_001115131.4); short protein forms E588D.
Identifiers: ClinVar variation 1026921 (VCV001026921.8), dbSNP rs747031933, ClinGen allele CA359597367.
Genomic context (GRCh38, chr5:41,159,174, plus strand): 5'-CTCTTGTCGCTTCTCCCCCTCACAGCGTTTCCCTCCTCGTTGGGGGGCAGGATTATTGCA[T>G]TCTCGGGTTCTCGATCTCTTATAAGTAGCATCACAGGTACTCCAGGAAGACCAACAACCC-3'
Protein context (NP_000056.2, residues 578-598): DATYKRSRTR[Glu588Asp]CNNPAPQRGG